The following is an entry in ClinVar:

ClinVar aggregate classification (germline): Uncertain significance (1 of 4 stars; one submission).

gnomAD v4.1: 1 of 1,613,924 alleles (0.000062%); highest among the groups gnomAD compares: South Asian, 0.0011%; no homozygotes.

Submission:

Ambry Genetics
Classification: Uncertain significance. Last evaluated: 2025-12-24. Review status: criteria provided, single submitter. Criteria: Ambry Variant Classification Scheme 2023. Collection method: clinical testing. Allele origin: germline.
Comment: The p.A616V variant (also known as c.1847C>T), located in coding exon 18 of the KIF1B gene, results from a C to T substitution at nucleotide position 1847. The alanine at codon 616 is replaced by valine, an amino acid with similar properties. This amino acid position is conserved. In addition, this alteration is predicted to be deleterious by in silico analysis. Based on the available evidence, the clinical significance of this variant remains unclear.

NM_001365951.3(KIF1B):c.1985C>T (p.Ala662Val)

Gene: KIF1B (kinesin family member 1B; plus strand). Cytogenetic location: 1p36.22.
Variant type: single nucleotide variant.
Coding change: c.1985C>T on transcript NM_001365951.3 (MANE Select); coding-DNA position 1985, C replaced by T.
Protein change: p.Ala662Val; replaces alanine 662 with valine.
Molecular consequence: missense variant.
Genome position (GRCh38, 1-based): chr1:10,297,020, C>T. VCF-style: chr1-10297020-C-T. GRCh37 (hg19) VCF-style: chr1-10357078-C-T.
Other names: c.1985C>T, p.Ala662Val (NM_001365952.1); c.1847C>T, p.Ala616Val (NM_001365953.1, NM_015074.3, NM_183416.4); short protein forms A662V, A616V.
Identifiers: ClinVar variation 4844624 (VCV004844624.1).
Genomic context (GRCh38, chr1:10,297,020, plus strand): 5'-CTGAGCGAGAGAAGACTCCTTCTGCTGAGACCCCCTCTGAGCCTGTGGACTGGACATTTG[C>T]CCAGAGGGAGCTTCTGGAAAAACAAGGAATTGATATGAAACAAGAGATGGAGAAAAGGTA-3'
Protein context (NP_001352880.1, residues 652-672): TPSEPVDWTF[Ala662Val]QRELLEKQGI